The following is an entry in ClinVar:

NM_144670.6(A2ML1):c.2458A>T (p.Ile820Phe)

Gene: A2ML1 (alpha-2-macroglobulin like 1; plus strand). Cytogenetic location: 12p13.31.
Variant type: single nucleotide variant.
Coding change: c.2458A>T on transcript NM_144670.6 (MANE Select); coding-DNA position 2458, A replaced by T.
Protein change: p.Ile820Phe; replaces isoleucine 820 with phenylalanine.
Molecular consequence: missense variant.
Genome position (GRCh38, 1-based): chr12:8,852,007, A>T. VCF-style: chr12-8852007-A-T. GRCh37 (hg19) VCF-style: chr12-9004603-A-T.
Other names: c.985A>T, p.Ile329Phe (NM_001282424.3); short protein forms I329F, I820F.
Identifiers: ClinVar variation 1343745 (VCV001343745.6), dbSNP rs1435627448, ClinGen allele CA383833521.
Genomic context (GRCh38, chr12:8,852,007, plus strand): 5'-GTAGTCCGTGGGGAATCCTTTCGTCTTACTGCCACCATCTTCAATTACCTAAAGGATTGC[A>T]TCAGGGTGAGAGCTGGGGATACAGGAATCAGGTGTCAGCCCTGGAATCACACCTCCCCCA-3'
Protein context (NP_653271.3, residues 810-830): ATIFNYLKDC[Ile820Phe]RVQTDLAKSH

ClinVar aggregate classification (germline): Uncertain significance. Review status: criteria provided, multiple submitters, no conflicts (2 of 4 stars). 2 submissions from 2 submitters: Uncertain significance (2). Last evaluated 2022-07-10.

Allele frequency attached by ClinVar (database versions not stated): gnomAD 0.00001; TOPMed 0.00001.
gnomAD v4.1: 1 of 1,613,924 alleles (0.000062%); highest among the groups gnomAD compares: Non-Finnish European, 0.000085%; no homozygotes.

Submissions (2):

Labcorp Genetics (formerly Invitae), Labcorp
Classification: Uncertain significance. Last evaluated: 2022-07-10. Review status: criteria provided, single submitter. Criteria: Invitae Variant Classification Sherloc (09022015). Collection method: clinical testing. Allele origin: germline.
Comment: In summary, the available evidence is currently insufficient to determine the role of this variant in disease. Therefore, it has been classified as a Variant of Uncertain Significance. Algorithms developed to predict the effect of missense changes on protein structure and function are either unavailable or do not agree on the potential impact of this missense change (SIFT: "Deleterious"; PolyPhen-2: "Probably Damaging"; Align-GVGD: "Class C0"). ClinVar contains an entry for this variant (Variation ID: 1343745). This variant has not been reported in the literature in individuals affected with A2ML1-related conditions. This variant is not present in population databases (gnomAD no frequency). This sequence change replaces isoleucine, which is neutral and non-polar, with phenylalanine, which is neutral and non-polar, at codon 820 of the A2ML1 protein (p.Ile820Phe).

Women's Health and Genetics/Laboratory Corporation of America, LabCorp
Classification: Uncertain significance. Last evaluated: 2022-02-12. Review status: criteria provided, single submitter. Criteria: LabCorp Variant Classification Summary - May 2015. Collection method: clinical testing. Allele origin: germline.